The following is an entry in ClinVar:

NM_152328.5(ADSS1):c.449T>C (p.Val150Ala)

Gene: ADSS1 (adenylosuccinate synthase 1; plus strand). Cytogenetic location: 14q32.33.
Variant type: single nucleotide variant.
Coding change: c.449T>C on transcript NM_152328.5 (MANE Select); coding-DNA position 449, T replaced by C.
Protein change: p.Val150Ala; replaces valine 150 with alanine.
Molecular consequence: missense variant. On other transcripts: 5 prime UTR variant (1).
Genome position (GRCh38, 1-based): chr14:104,739,789, T>C. VCF-style: chr14-104739789-T-C. GRCh37 (hg19) VCF-style: chr14-105206126-T-C.
Other names: c.-167T>C (NM_001320424.1); c.578T>C, p.Val193Ala (NM_199165.2); short protein forms V150A, V193A.
Identifiers: ClinVar variation 2068683 (VCV002068683.1), dbSNP rs746337932, ClinGen allele CA7373692.

ClinVar aggregate classification (germline): Uncertain significance (1 of 4 stars; one submission).

Allele frequency attached by ClinVar (database versions not stated): ExAC 0.00001; gnomAD 0.00001; TOPMed 0.00001; gnomAD exomes 0.00003.
gnomAD v4.1: 42 of 1,613,738 alleles (0.0026%); highest among the groups gnomAD compares: Non-Finnish European, 0.0034%; no homozygotes.

Submission:

Labcorp Genetics (formerly Invitae), Labcorp
Classification: Uncertain significance. Last evaluated: 2022-09-09. Review status: criteria provided, single submitter. Criteria: Invitae Variant Classification Sherloc (09022015). Collection method: clinical testing. Allele origin: germline.
Comment: This sequence change replaces valine, which is neutral and non-polar, with alanine, which is neutral and non-polar, at codon 193 of the ADSSL1 protein (p.Val193Ala). This variant is present in population databases (rs746337932, gnomAD 0.005%). This variant has not been reported in the literature in individuals affected with ADSSL1-related conditions. Algorithms developed to predict the effect of missense changes on protein structure and function output the following: SIFT: "Not Available"; PolyPhen-2: "Benign"; Align-GVGD: "Not Available". The alanine amino acid residue is found in multiple mammalian species, which suggests that this missense change does not adversely affect protein function. In summary, the available evidence is currently insufficient to determine the role of this variant in disease. Therefore, it has been classified as a Variant of Uncertain Significance.